The following is an entry in ClinVar:

NM_006492.3(ALX3):c.748C>G (p.Pro250Ala)

Gene: ALX3 (ALX homeobox 3; minus strand). Cytogenetic location: 1p13.3.
Variant type: single nucleotide variant.
Coding change: c.748C>G on transcript NM_006492.3 (MANE Select); coding-DNA position 748, C replaced by G.
Protein change: p.Pro250Ala; replaces proline 250 with alanine.
Molecular consequence: missense variant.
Genome position (GRCh38, 1-based): chr1:110,061,017, G>C on the plus strand (C>G on the coding strand, the complement: ALX3 is on the minus strand). VCF-style: chr1-110061017-G-C. GRCh37 (hg19) VCF-style: chr1-110603639-G-C.
Other names: c.748C>G, p.Pro250Ala (LRG_1265t1); short protein forms P250A.
Identifiers: ClinVar variation 210134 (VCV000210134.30), dbSNP rs145995775, ClinGen allele CA206424.

ClinVar aggregate classification (germline): Benign/Likely benign. Review status: criteria provided, multiple submitters, no conflicts (2 of 4 stars). 5 submissions from 5 submitters: Benign (2); Likely benign (3). Last evaluated 2026-03-03.

Conditions:
ALX3-related disorder. Also called: ALX3-related condition.

Allele frequency attached by ClinVar (database versions not stated): 1000 Genomes Project 0.00220; 1000 Genomes Project 30x 0.00234; ESP Exome Variant Server 0.00316; gnomAD 0.00336 and 0.00363; TOPMed 0.00352.

Submissions (5):

PreventionGenetics, part of Exact Sciences
Classification: Benign for ALX3-related condition. Last evaluated: 2026-03-03. Review status: criteria provided, single submitter. Criteria: ACMG Guidelines, 2015. Collection method: clinical testing. Allele origin: germline.
Comment: This variant is classified as benign based on ACMG/AMP sequence variant interpretation guidelines (Richards et al. 2015 PMID: 25741868, with internal and published modifications).

Labcorp Genetics (formerly Invitae), Labcorp
Classification: Benign. Last evaluated: 2025-08-03. Review status: criteria provided, single submitter. Criteria: Invitae Variant Classification Sherloc (09022015). Collection method: clinical testing. Allele origin: germline.

Blueprint Genetics
Classification: Likely benign. Last evaluated: 2024-11-14. Review status: criteria provided, single submitter. Criteria: ACMG Guidelines, 2015. Collection method: clinical testing. Allele origin: germline.

CeGaT Center for Human Genetics Tuebingen
Classification: Likely benign. Last evaluated: 2024-11-01. Review status: criteria provided, single submitter. Criteria: CeGaT Center For Human Genetics Tuebingen Variant Classification Criteria Version 2. Collection method: clinical testing. Allele origin: germline. Affected: yes. Observed: 1 variant allele.
Comment: ALX3: BP4, BS1; ENSG00000258634: BS1

Genetic Services Laboratory, University of Chicago
Classification: Likely benign. Last evaluated: 2015-07-24. Review status: criteria provided, single submitter. Criteria: ACMG Guidelines, 2015. Collection method: clinical testing. Allele origin: germline.